The following is an entry in ClinVar:

ClinVar aggregate classification (germline): Uncertain significance. Review status: criteria provided, multiple submitters, no conflicts (2 of 4 stars). 3 submissions from 3 submitters: Uncertain significance (3). Last evaluated 2025-03-20.

Conditions:
Autosomal dominant hypocalcemia 1 (HYPOC1). Also called: HYPOCALCEMIA, FAMILIAL. Identifiers: MedGen C3715128, MONDO:0011013, OMIM 601198.
Familial hypocalciuric hypercalcemia (FHH). Also called: Familial benign hypercalcemia. Identifiers: Orphanet 405, MedGen C1809471, MONDO:0018458.
CASR-related disorder. Also called: CASR-related condition.
Nephrolithiasis/nephrocalcinosis. Identifiers: MedGen CN580796.

Allele frequency attached by ClinVar (database versions not stated): gnomAD exomes 0.00001 and 0.00002; TOPMed 0.00001; ExAC 0.00002.
gnomAD v4.1: 10 of 1,614,104 alleles (0.00062%); highest among the groups gnomAD compares: Admixed American, 0.005%; no homozygotes.

Submissions (3):

PreventionGenetics, part of Exact Sciences
Classification: Uncertain significance for CASR-related condition. Last evaluated: 2025-03-20. Review status: criteria provided, single submitter. Criteria: ACMG Guidelines, 2015. Collection method: clinical testing. Allele origin: germline.
Comment: The CASR c.2791G>A variant is predicted to result in the amino acid substitution p.Glu931Lys. To our knowledge, this variant has not been reported in the literature in association with CASR-related disease. This variant is reported in 0.0058% of alleles in individuals of Latino descent in gnomAD. At this time, the clinical significance of this variant is uncertain due to the absence of conclusive functional and genetic evidence.

Ambry Genetics
Classification: Uncertain significance for Nephrolithiasis/nephrocalcinosis. Last evaluated: 2024-08-23. Review status: criteria provided, single submitter. Criteria: Ambry Variant Classification Scheme 2023. Collection method: clinical testing. Allele origin: germline.
Comment: The p.E921K variant (also known as c.2761G>A), located in coding exon 6 of the CASR gene, results from a G to A substitution at nucleotide position 2761. The glutamic acid at codon 921 is replaced by lysine, an amino acid with similar properties. This amino acid position is not well conserved in available vertebrate species. In addition, the in silico prediction for this alteration is inconclusive. Based on the available evidence, the clinical significance of this variant remains unclear.

Labcorp Genetics (formerly Invitae), Labcorp
Classification: Uncertain significance for Familial hypocalciuric hypercalcemia; Autosomal dominant hypocalcemia 1. Last evaluated: 2024-04-06. Review status: criteria provided, single submitter. Criteria: Invitae Variant Classification Sherloc (09022015). Collection method: clinical testing. Allele origin: germline.
Comment: This sequence change replaces glutamic acid, which is acidic and polar, with lysine, which is basic and polar, at codon 921 of the CASR protein (p.Glu921Lys). This variant is present in population databases (rs755629322, gnomAD 0.006%). This variant has not been reported in the literature in individuals affected with CASR-related conditions. ClinVar contains an entry for this variant (Variation ID: 864263). An algorithm developed to predict the effect of missense changes on protein structure and function (PolyPhen-2) suggests that this variant is likely to be tolerated. In summary, the available evidence is currently insufficient to determine the role of this variant in disease. Therefore, it has been classified as a Variant of Uncertain Significance.

NM_000388.4(CASR):c.2761G>A (p.Glu921Lys)

Gene: CASR (calcium sensing receptor; plus strand). Cytogenetic location: 3q21.1.
Variant type: single nucleotide variant.
Coding change: c.2761G>A on transcript NM_000388.4 (MANE Select); coding-DNA position 2761, G replaced by A.
Protein change: p.Glu921Lys; replaces glutamic acid 921 with lysine.
Molecular consequence: missense variant.
Genome position (GRCh38, 1-based): chr3:122,284,715, G>A. VCF-style: chr3-122284715-G-A. GRCh37 (hg19) VCF-style: chr3-122003562-G-A.
Other names: c.2791G>A, p.Glu931Lys (NM_001178065.2); c.2791G>A (NM_001178065.1); short protein forms E931K, E921K.
Identifiers: ClinVar variation 864263 (VCV000864263.10), dbSNP rs755629322, ClinGen allele CA2569859.